The following is an entry in ClinVar:

ClinVar aggregate classification (germline): Benign. Review status: criteria provided, multiple submitters, no conflicts (2 of 4 stars). 2 submissions from 2 submitters: Benign (2). Last evaluated 2018-06-19.

Allele frequency attached by ClinVar (database versions not stated): 1000 Genomes Project 30x 0.23532; 1000 Genomes Project 0.23742; TOPMed 0.26112; gnomAD 0.27600 and 0.27841.

Submissions (2):

GeneDx
Classification: Benign. Last evaluated: 2018-06-19. Review status: criteria provided, single submitter. Criteria: GeneDx Variant Classification (06012015). Collection method: clinical testing. Allele origin: germline. Affected: yes.
Comment: This variant is considered likely benign or benign based on one or more of the following criteria: it is a conservative change, it occurs at a poorly conserved position in the protein, it is predicted to be benign by multiple in silico algorithms, and/or has population frequency not consistent with disease.

Breakthrough Genomics
Classification: Benign. Review status: criteria provided, single submitter. Criteria: ACMG Guidelines, 2015. Collection method: not provided. Allele origin: germline. Inheritance: Autosomal dominant inheritance. Affected: yes.

NM_001844.5(COL2A1):c.2733+113T>C

Gene: COL2A1 (collagen type II alpha 1 chain; minus strand). Cytogenetic location: 12q13.11.
Variant type: single nucleotide variant.
Coding change: c.2733+113T>C on transcript NM_001844.5 (MANE Select); 113 bases into the intron after coding-DNA position 2733, T replaced by C.
Molecular consequence: intron variant.
Genome position (GRCh38, 1-based): chr12:47,979,398, A>G on the plus strand (T>C on the coding strand, the complement: COL2A1 is on the minus strand). VCF-style: chr12-47979398-A-G. GRCh37 (hg19) VCF-style: chr12-48373181-A-G.
Other names: c.2526+113T>C (NM_033150.3).
Identifiers: ClinVar variation 674985 (VCV000674985.2), dbSNP rs12368284, ClinGen allele CA13588306.
Genomic context (GRCh38, chr12:47,979,398, plus strand): 5'-GCCCCCAGCCACCCTCAGGGGATAGGTCCCCATGATCAGTTAGCTACTCCTCCAGGGGGC[A>G]GGAACGGACTCAGAGGAGTGAAGGCCAGCCTGGAGCTCTCCAGACCCTGTTGGGTGCTGG-3'